The following is an entry in ClinVar:

ClinVar aggregate classification (germline): Conflicting classifications of pathogenicity. Review status: criteria provided, conflicting classifications (1 of 4 stars). 2 submissions from 2 submitters: Likely pathogenic (1); Uncertain significance (1). Last evaluated 2022-07-07.

Conditions:
Long QT syndrome (LQTS). Identifiers: MedGen C0023976, MeSH D008133, MONDO:0002442. Disease mechanism: loss of function. Inheritance: Various modes of inheritance.
KCNH2-related disorder. Also called: KCNH2-related condition; KCNH2-related disorders.

Submissions (2):

Blueprint Genetics
Classification: Likely pathogenic for KCNH2-related disorders. Last evaluated: 2022-07-07. Review status: criteria provided, single submitter. Criteria: ACMG Guidelines, 2015. Collection method: clinical testing. Allele origin: germline. Affected: yes. Observed: 5 variant alleles.

Labcorp Genetics (formerly Invitae), Labcorp
Classification: Uncertain significance for Long QT syndrome. Last evaluated: 2022-03-27. Review status: criteria provided, single submitter. Criteria: Invitae Variant Classification Sherloc (09022015). Collection method: clinical testing. Allele origin: germline.
Comment: In summary, the available evidence is currently insufficient to determine the role of this variant in disease. Therefore, it has been classified as a Variant of Uncertain Significance. This variant disrupts the p.Phe640 amino acid residue in KCNH2. Other variant(s) that disrupt this residue have been observed in individuals with KCNH2-related conditions (PMID: 22949429), which suggests that this may be a clinically significant amino acid residue. Algorithms developed to predict the effect of missense changes on protein structure and function are either unavailable or do not agree on the potential impact of this missense change (SIFT: "Deleterious"; PolyPhen-2: "Probably Damaging"; Align-GVGD: "Class C15"). This variant has not been reported in the literature in individuals affected with KCNH2-related conditions. This variant is not present in population databases (gnomAD no frequency). This sequence change replaces phenylalanine, which is neutral and non-polar, with serine, which is neutral and polar, at codon 640 of the KCNH2 protein (p.Phe640Ser).

Literature cited by the submitters: PubMed 22949429 (cited by Labcorp Genetics (formerly Invitae), Labcorp).

NM_000238.4(KCNH2):c.1919T>C (p.Phe640Ser)

Gene: KCNH2 (potassium voltage-gated channel subfamily H member 2; minus strand). Cytogenetic location: 7q36.1.
Variant type: single nucleotide variant.
Coding change: c.1919T>C on transcript NM_000238.4 (MANE Select); coding-DNA position 1919, T replaced by C.
Protein change: p.Phe640Ser; replaces phenylalanine 640 with serine.
Molecular consequence: missense variant.
Genome position (GRCh38, 1-based): chr7:150,951,474, A>G on the plus strand (T>C on the coding strand, the complement: KCNH2 is on the minus strand). VCF-style: chr7-150951474-A-G. GRCh37 (hg19) VCF-style: chr7-150648562-A-G.
Other names: c.899T>C, p.Phe300Ser (NM_001204798.2, NM_172057.3); c.1631T>C, p.Phe544Ser (NM_001406753.1, NM_001406756.1); c.1742T>C, p.Phe581Ser (NM_001406755.1); c.1619T>C, p.Phe540Ser (NM_001406757.1); c.1919T>C, p.Phe640Ser (NM_172056.3); short protein forms F300S, F640S, F540S, F544S, F581S.
Identifiers: ClinVar variation 2118434 (VCV002118434.5), dbSNP rs1801154920, ClinGen allele CA369857846.